The following is an entry in ClinVar:

NM_205850.3(SLC24A5):c.169G>A (p.Gly57Arg)

Gene: SLC24A5 (solute carrier family 24 member 5; plus strand). Cytogenetic location: 15q21.1.
Variant type: single nucleotide variant.
Coding change: c.169G>A on transcript NM_205850.3 (MANE Select); coding-DNA position 169, G replaced by A.
Protein change: p.Gly57Arg; replaces glycine 57 with arginine.
Molecular consequence: missense variant.
Genome position (GRCh38, 1-based): chr15:48,121,904, G>A. VCF-style: chr15-48121904-G-A. GRCh37 (hg19) VCF-style: chr15-48414101-G-A.
Other names: short protein forms G57R.
Identifiers: ClinVar variation 2013981 (VCV002013981.4), dbSNP rs2504569412, ClinGen allele CA392447363.

ClinVar aggregate classification (germline): Uncertain significance (1 of 4 stars; one submission).

Submission:

Labcorp Genetics (formerly Invitae), Labcorp
Classification: Uncertain significance. Last evaluated: 2025-09-08. Review status: criteria provided, single submitter. Criteria: Invitae Variant Classification Sherloc (09022015). Collection method: clinical testing. Allele origin: germline.
Comment: This sequence change replaces glycine, which is neutral and non-polar, with arginine, which is basic and polar, at codon 57 of the SLC24A5 protein (p.Gly57Arg). This variant is not present in population databases (gnomAD no frequency). This variant has not been reported in the literature in individuals affected with SLC24A5-related conditions. ClinVar contains an entry for this variant (Variation ID: 2013981). Invitae Evidence Modeling of protein sequence and biophysical properties (such as structural, functional, and spatial information, amino acid conservation, physicochemical variation, residue mobility, and thermodynamic stability) indicates that this missense variant is expected to disrupt SLC24A5 protein function with a positive predictive value of 80%. In summary, the available evidence is currently insufficient to determine the role of this variant in disease. Therefore, it has been classified as a Variant of Uncertain Significance.